The following is an entry in ClinVar:

NM_001291303.3(FAT4):c.9359C>A (p.Ala3120Glu)

Gene: FAT4 (FAT atypical cadherin 4; plus strand). Cytogenetic location: 4q28.1.
Variant type: single nucleotide variant.
Coding change: c.9359C>A on transcript NM_001291303.3 (MANE Select); coding-DNA position 9359, C replaced by A.
Protein change: p.Ala3120Glu; replaces alanine 3120 with glutamic acid.
Molecular consequence: missense variant.
Genome position (GRCh38, 1-based): chr4:125,450,369, C>A. VCF-style: chr4-125450369-C-A. GRCh37 (hg19) VCF-style: chr4-126371524-C-A.
Other names: c.9353C>A (NM_024582.4); c.9359C>A, p.Ala3120Glu (NM_001291285.3); c.9353C>A, p.Ala3118Glu (NM_024582.6); short protein forms A3120E, A3118E.
Identifiers: ClinVar variation 1909087 (VCV001909087.4), dbSNP rs368999477, ClinGen allele CA3073514.

ClinVar aggregate classification (germline): Uncertain significance. Review status: criteria provided, multiple submitters, no conflicts (2 of 4 stars). 2 submissions from 2 submitters: Uncertain significance (2). Last evaluated 2025-12-16.

Conditions:
Inborn genetic diseases. Identifiers: MedGen C0950123, MeSH D030342.
Van Maldergem syndrome 2 (VMLDS2). Identifiers: Orphanet 314679, MedGen C3809875, MONDO:0014242, OMIM 615546.
Hennekam lymphangiectasia-lymphedema syndrome 2 (HKLLS2). Identifiers: Orphanet 2136, MedGen C4014939, MONDO:0014454, OMIM 616006.

Allele frequency attached by ClinVar (database versions not stated): ExAC 0.00002; gnomAD exomes 0.00004; TOPMed 0.00005; gnomAD 0.00007; ESP Exome Variant Server 0.00008.
gnomAD v4.1: 69 of 1,613,980 alleles (0.0043%); highest among the groups gnomAD compares: Admixed American, 0.0083%; no homozygotes.

Submissions (2):

Ambry Genetics
Classification: Uncertain significance for Inborn genetic diseases. Last evaluated: 2025-12-16. Review status: criteria provided, single submitter. Criteria: Ambry Variant Classification Scheme 2023. Collection method: clinical testing. Allele origin: germline.

Labcorp Genetics (formerly Invitae), Labcorp
Classification: Uncertain significance. Last evaluated: 2022-07-07. Review status: criteria provided, single submitter. Criteria: Invitae Variant Classification Sherloc (09022015). Collection method: clinical testing. Allele origin: germline.
Comment: This sequence change replaces alanine, which is neutral and non-polar, with glutamic acid, which is acidic and polar, at codon 3118 of the FAT4 protein (p.Ala3118Glu). This variant is present in population databases (rs368999477, gnomAD 0.01%). This variant has not been reported in the literature in individuals affected with FAT4-related conditions. Advanced modeling of protein sequence and biophysical properties (such as structural, functional, and spatial information, amino acid conservation, physicochemical variation, residue mobility, and thermodynamic stability) performed at Invitae indicates that this missense variant is not expected to disrupt FAT4 protein function. In summary, the available evidence is currently insufficient to determine the role of this variant in disease. Therefore, it has been classified as a Variant of Uncertain Significance.